The following is an entry in ClinVar:

ClinVar aggregate classification (germline): Uncertain significance (1 of 4 stars; one submission).

Conditions:
Epidermolysis bullosa simplex with nail dystrophy (EBS5D). Identifiers: MedGen C4225309, MONDO:0014661, OMIM 616487.
Epidermolysis bullosa simplex, Ogna type (EBS5A). Also called: EPIDERMOLYSIS BULLOSA SIMPLEX 5A, OGNA TYPE; Pidermolysis bullosa simplex 5A, Ogna type. Identifiers: Orphanet 79401, MedGen C0432317, MONDO:0007555, OMIM 131950.
Epidermolysis bullosa simplex 5C, with pyloric atresia (EBS5C). Also called: PLEC1-Related Epidermolysis Bullosa with Pyloric Atresia; PLEC-Related Epidermolysis Bullosa with Pyloric Atresia; Epidermolysis bullosa simplex with pyloric atresia. Identifiers: Orphanet 158684, MedGen C2677349, MONDO:0012807, OMIM 612138.
Autosomal recessive limb-girdle muscular dystrophy type 2Q (LGMDR17). Also called: MUSCULAR DYSTROPHY, LIMB-GIRDLE, AUTOSOMAL RECESSIVE 17. Identifiers: Orphanet 254361, MedGen C3150989, MONDO:0013390, OMIM 613723.
Epidermolysis bullosa simplex 5B, with muscular dystrophy (EBS5B). Also called: EPIDERMOLYSIS BULLOSA SIMPLEX AND LIMB-GIRDLE MUSCULAR DYSTROPHY; Epidermolysis bullosa simplex with muscular dystrophy. Identifiers: Orphanet 257, MedGen C2931072, MONDO:0009181, OMIM 226670.

Allele frequency attached by ClinVar (database versions not stated): gnomAD exomes below 0.00001; TOPMed below 0.00001.
gnomAD v4.1: 2 of 1,592,380 alleles (0.00013%); highest among the groups gnomAD compares: Non-Finnish European, 0.00017%; no homozygotes.

Submission:

Labcorp Genetics (formerly Invitae), Labcorp
Classification: Uncertain significance for Autosomal recessive limb-girdle muscular dystrophy type 2Q; Epidermolysis bullosa simplex, Ogna type; Epidermolysis bullosa simplex with nail dystrophy; Epidermolysis bullosa simplex 5C, with pyloric atresia; Epidermolysis bullosa simplex 5B, with muscular dystrophy. Last evaluated: 2025-03-31. Review status: criteria provided, single submitter. Criteria: Invitae Variant Classification Sherloc (09022015). Collection method: clinical testing. Allele origin: germline.
Comment: This sequence change replaces glycine, which is neutral and non-polar, with aspartic acid, which is acidic and polar, at codon 3168 of the PLEC protein (p.Gly3168Asp). This variant is not present in population databases (gnomAD no frequency). This variant has not been reported in the literature in individuals affected with PLEC-related conditions. ClinVar contains an entry for this variant (Variation ID: 2923804). An algorithm developed to predict the effect of missense changes on protein structure and function (PolyPhen-2) suggests that this variant is likely to be disruptive. In summary, the available evidence is currently insufficient to determine the role of this variant in disease. Therefore, it has been classified as a Variant of Uncertain Significance.

NM_201384.3(PLEC):c.9422G>A (p.Gly3141Asp)

Gene: PLEC (plectin; minus strand). Cytogenetic location: 8q24.3.
Variant type: single nucleotide variant.
Coding change: c.9422G>A on transcript NM_201384.3 (MANE Select); coding-DNA position 9422, G replaced by A.
Protein change: p.Gly3141Asp; replaces glycine 3141 with aspartic acid.
Molecular consequence: missense variant.
Genome position (GRCh38, 1-based): chr8:143,920,399, C>T on the plus strand (G>A on the coding strand, the complement: PLEC is on the minus strand). VCF-style: chr8-143920399-C-T. GRCh37 (hg19) VCF-style: chr8-144994567-C-T.
Other names: c.9326G>A, p.Gly3109Asp (NM_201381.3); c.9422G>A, p.Gly3141Asp (NM_201382.4); c.9434G>A, p.Gly3145Asp (NM_201383.3); c.9503G>A, p.Gly3168Asp (NM_000445.5); c.6122G>A, p.Gly2041Asp (NM_001410941.1); c.9380G>A, p.Gly3127Asp (NM_201378.4); c.9356G>A, p.Gly3119Asp (NM_201379.3); c.9833G>A, p.Gly3278Asp (NM_201380.4); short protein forms G2041D, G3141D, G3145D, G3109D, G3168D, G3127D, G3278D, G3119D.
Identifiers: ClinVar variation 2923804 (VCV002923804.3), dbSNP rs1554681617, ClinGen allele CA372509558.
Genomic context (GRCh38, chr8:143,920,399, plus strand): 5'-CCTCGGGCGCAGGCGACATCCAGGGGCACGCGGTGGCTCTTGCTGGGGTCCACGATGCCG[C>T]CCGTGGACAGCTGGGCGTCCAACAGGCGCAGGCCCTGCTCCCGGGGAATGAGGCCCTTCT-3'
Protein context (NP_958786.1, residues 3131-3151): LRLLDAQLST[Gly3141Asp]GIVDPSKSHR